The following is an entry in ClinVar:

ClinVar aggregate classification (germline): Uncertain significance (1 of 4 stars; one submission).

Conditions:
Intellectual developmental disorder, autosomal dominant 1. Also called: Intellectual disability, autosomal dominant 1; MBD5 Haploinsufficiency. Identifiers: Orphanet 228402, MedGen C1969562, MONDO:0007974, OMIM 156200.

Allele frequency attached by ClinVar (database versions not stated): gnomAD exomes below 0.00001; TOPMed 0.00001; ExAC 0.00002; ESP Exome Variant Server 0.00008.
gnomAD v4.1: 5 of 1,613,940 alleles (0.00031%); highest among the groups gnomAD compares: East Asian, 0.0022%; no homozygotes.

Submission:

Labcorp Genetics (formerly Invitae), Labcorp
Classification: Uncertain significance for Intellectual developmental disorder, autosomal dominant 1. Last evaluated: 2022-06-26. Review status: criteria provided, single submitter. Criteria: Invitae Variant Classification Sherloc (09022015). Collection method: clinical testing. Allele origin: germline.
Comment: In summary, the available evidence is currently insufficient to determine the role of this variant in disease. Therefore, it has been classified as a Variant of Uncertain Significance. Algorithms developed to predict the effect of missense changes on protein structure and function (SIFT, PolyPhen-2, Align-GVGD) all suggest that this variant is likely to be tolerated. This variant has not been reported in the literature in individuals affected with MBD5-related conditions. This variant is present in population databases (rs144129665, gnomAD 0.01%). This sequence change replaces histidine, which is basic and polar, with arginine, which is basic and polar, at codon 208 of the MBD5 protein (p.His208Arg).

NM_001378120.1(MBD5):c.623A>G (p.His208Arg)

Gene: MBD5 (methyl-CpG binding domain protein 5; plus strand). Cytogenetic location: 2q23.1.
Variant type: single nucleotide variant.
Coding change: c.623A>G on transcript NM_001378120.1 (MANE Select); coding-DNA position 623, A replaced by G.
Protein change: p.His208Arg; replaces histidine 208 with arginine.
Molecular consequence: missense variant.
Genome position (GRCh38, 1-based): chr2:148,468,566, A>G. VCF-style: chr2-148468566-A-G. GRCh37 (hg19) VCF-style: chr2-149226135-A-G.
Other names: c.623A>G, p.His208Arg (NM_018328.5); short protein forms H208R.
Identifiers: ClinVar variation 2191525 (VCV002191525.4), dbSNP rs144129665, ClinGen allele CA1899905.
Genomic context (GRCh38, chr2:148,468,566, plus strand): 5'-GAAGCCAACAACAAGAACTCCACCCTGTCTACCCCCGACAGAGATTGGGCAGCAGTGAAC[A>G]TGGACAGAAATCTCCATTCCGTGGCAGCCATGGAGGCCTGCCCAGCCCAGCGTCATCAGG-3'
Protein context (NP_001365049.1, residues 198-218): YPRQRLGSSE[His208Arg]GQKSPFRGSH